The following is an entry in ClinVar:

ClinVar aggregate classification (germline): Uncertain significance (1 of 4 stars; one submission).

Conditions:
Cardiovascular phenotype. Identifiers: MedGen CN230736.

gnomAD v4.1: 1 of 1,614,144 alleles (0.000062%); highest among the groups gnomAD compares: Non-Finnish European, 0.000085%; no homozygotes.

Submission:

Ambry Genetics
Classification: Uncertain significance for Cardiovascular phenotype. Last evaluated: 2024-11-30. Review status: criteria provided, single submitter. Criteria: Ambry Variant Classification Scheme 2023. Collection method: clinical testing. Allele origin: germline.
Comment: The p.A2563P variant (also known as c.7687G>C), located in coding exon 38 of the ANK2 gene, results from a G to C substitution at nucleotide position 7687. The alanine at codon 2563 is replaced by proline, an amino acid with highly similar properties. This amino acid position is conserved. In addition, the in silico prediction for this alteration is inconclusive. Based on the available evidence, the clinical significance of this variant remains unclear.

NM_001148.6(ANK2):c.7687G>C (p.Ala2563Pro)

Genes: ANK2 (ankyrin 2; plus strand), LOC126807137 (CDK7 strongly-dependent group 2 enhancer GRCh37_chr4:114276560-114277759; plus strand). Cytogenetic location: 4q26.
Variant type: single nucleotide variant.
Coding change: c.7687G>C on transcript NM_001148.6 (MANE Select); coding-DNA position 7687, G replaced by C.
Protein change: p.Ala2563Pro; replaces alanine 2563 with proline.
Molecular consequence: missense variant. On other transcripts: intron variant (68).
Genome position (GRCh38, 1-based): chr4:113,356,305, G>C. VCF-style: chr4-113356305-G-C. GRCh37 (hg19) VCF-style: chr4-114277461-G-C.
Other names: c.7453G>C, p.Ala2485Pro (NM_001386142.1); c.4087G>C, p.Ala1363Pro (NM_001386166.1); c.7828G>C, p.Ala2610Pro (NM_001386174.1); c.7804G>C, p.Ala2602Pro (NM_001386175.1); c.4412-4518G>C (NM_001386186.2, NM_001386148.2); c.4214-4518G>C (NM_001354269.3); c.4292-4518G>C (NM_001386187.2); c.4253-4518G>C (NM_001386147.1); and 35 more; short protein forms A1363P, A2485P, A2563P, A2602P, A2610P.
Identifiers: ClinVar variation 3540620 (VCV003540620.1).